The following is an entry in ClinVar:

ClinVar aggregate classification (germline): Uncertain significance. Review status: criteria provided, multiple submitters, no conflicts (2 of 4 stars). 5 submissions from 5 submitters: Uncertain significance (5). Last evaluated 2024-12-20.

Conditions:
Hypertrophic cardiomyopathy 1 (CMH1). Also called: Familial hypertrophic cardiomyopathy 1; MYH7-Related Familial Hypertrophic Cardiomyopathy. Identifiers: MedGen C3495498, MONDO:0008647, OMIM 192600.
Myopathy, myosin storage, autosomal recessive (CMYO7B). Also called: CONGENITAL MYOPATHY 7B, MYOSIN STORAGE, AUTOSOMAL RECESSIVE. Identifiers: Orphanet 636970, MedGen C1850709, MONDO:0009708, OMIM 255160.
Myosin storage myopathy (CMYO7A). Also called: MYOPATHY WITH LYSIS OF TYPE I MYOFIBRILS; MYH7-related late-onset scapuloperoneal muscular dystrophy; Congenital myopathy 7A, myosin storage, autosomal dominant; MYOPATHY, HYALINE BODY, AUTOSOMAL DOMINANT; Scapuloperoneal myopathy, MYH7-related; SCAPULOPERONEAL MUSCULAR DYSTROPHY. Identifiers: Orphanet 437572, Orphanet 636965, MedGen C1842160, MONDO:0008409, OMIM 608358.
Dilated cardiomyopathy 1S (CMD1S). Identifiers: Orphanet 154, Orphanet 54260, MedGen C1834481, MONDO:0013262, OMIM 613426.
Congenital myopathy with fiber type disproportion. Also called: Congenital fiber-type disproportion; Congenital fiber-type disproportion myopathy. Identifiers: Orphanet 2020, MedGen C0546264, MONDO:0009711. Inheritance: all.
MYH7-related skeletal myopathy. Also called: Myopathy, distal, 1; Laing early-onset distal myopathy; MYOPATHY, DISTAL, EARLY-ONSET, AUTOSOMAL DOMINANT; MYOPATHY, LATE DISTAL HEREDITARY; Laing distal myopathy. Identifiers: Orphanet 59135, MedGen C4552004, MONDO:0008050, OMIM 160500.
Cardiovascular phenotype. Identifiers: MedGen CN230736.
Cardiomyopathy (CMYO). Also called: Cardiomyopathies. Identifiers: Orphanet 167848, MedGen C0878544, MONDO:0004994, HP:0001638. Inheritance: Various modes of inheritance.
Hypertrophic cardiomyopathy. Also called: HYPERTROPHIC MYOCARDIOPATHY. Identifiers: Orphanet 217569, MedGen C0007194, MeSH D002312, MONDO:0005045, HP:0001639.

Allele frequency attached by ClinVar (database versions not stated): gnomAD exomes 0.00001.

Submissions (5):

Ambry Genetics
Classification: Uncertain significance for Cardiovascular phenotype. Last evaluated: 2024-12-20. Review status: criteria provided, single submitter. Criteria: Ambry Variant Classification Scheme 2023. Collection method: clinical testing. Allele origin: germline.
Comment: The p.I1207N variant (also known as c.3620T>A), located in coding exon 25 of the MYH7 gene, results from a T to A substitution at nucleotide position 3620. The isoleucine at codon 1207 is replaced by asparagine, an amino acid with dissimilar properties. This amino acid position is highly conserved in available vertebrate species. In addition, this alteration is predicted to be deleterious by in silico analysis. Since supporting evidence is limited at this time, the clinical significance of this alteration remains unclear.

All of Us Research Program, National Institutes of Health
Classification: Uncertain significance for Cardiomyopathy. Last evaluated: 2024-05-09. Review status: criteria provided, single submitter. Criteria: ACMG Guidelines, 2015. Collection method: clinical testing. Allele origin: germline. Inheritance: Autosomal dominant inheritance. Observed: 3 variant alleles, 3 heterozygotes.
Comment: This study involves interpretation of variants in research participants for the purpose of population health screening. Participant phenotype was not available at the time of variant classification. Additional details can be found in publication PMID: 35346344, PMCID: PMC8962531

GeneDx
Classification: Uncertain significance. Last evaluated: 2022-04-06. Review status: criteria provided, single submitter. Criteria: GeneDx Variant Classification Process June 2021. Collection method: clinical testing. Allele origin: germline. Affected: yes.
Comment: Not observed at significant frequency in large population cohorts (gnomAD); In silico analysis supports that this missense variant has a deleterious effect on protein structure/function; Has not been previously published as pathogenic or benign to our knowledge

Fulgent Genetics
Classification: Uncertain significance for MYH7-related skeletal myopathy; Myosin storage myopathy; Hypertrophic cardiomyopathy 1; Myopathy, myosin storage, autosomal recessive; Congenital myopathy 4A, autosomal dominant; Dilated cardiomyopathy 1S. Last evaluated: 2021-11-04. Review status: criteria provided, single submitter. Criteria: ACMG Guidelines, 2015. Collection method: clinical testing. Allele origin: unknown.

Labcorp Genetics (formerly Invitae), Labcorp
Classification: Uncertain significance for Hypertrophic cardiomyopathy. Last evaluated: 2020-08-29. Review status: criteria provided, single submitter. Criteria: Invitae Variant Classification Sherloc (09022015). Collection method: clinical testing. Allele origin: germline.
Comment: In summary, the available evidence is currently insufficient to determine the role of this variant in disease. Therefore, it has been classified as a Variant of Uncertain Significance. Algorithms developed to predict the effect of missense changes on protein structure and function are either unavailable or do not agree on the potential impact of this missense change (SIFT: "Deleterious"; PolyPhen-2: "Probably Damaging"; Align-GVGD: "Class C0"). This variant has not been reported in the literature in individuals with MYH7-related conditions. ClinVar contains an entry for this variant (Variation ID: 181229). This variant is not present in population databases (ExAC no frequency). This sequence change replaces isoleucine with asparagine at codon 1207 of the MYH7 protein (p.Ile1207Asn). The isoleucine residue is moderately conserved and there is a large physicochemical difference between isoleucine and asparagine.

NM_000257.4(MYH7):c.3620T>A (p.Ile1207Asn)

Gene: MYH7 (myosin heavy chain 7; minus strand). Cytogenetic location: 14q11.2.
Variant type: single nucleotide variant.
Coding change: c.3620T>A on transcript NM_000257.4 (MANE Select); coding-DNA position 3620, T replaced by A.
Protein change: p.Ile1207Asn; replaces isoleucine 1207 with asparagine.
Molecular consequence: missense variant.
Genome position (GRCh38, 1-based): chr14:23,419,951, A>T on the plus strand (T>A on the coding strand, the complement: MYH7 is on the minus strand). VCF-style: chr14-23419951-A-T. GRCh37 (hg19) VCF-style: chr14-23889160-A-T.
Other names: p.I1207N:ATC>AAC; c.3620T>A (LRG_384t1); short protein forms I1207N.
Identifiers: ClinVar variation 181229 (VCV000181229.16), dbSNP rs730880780, ClinGen allele CA013873.